The following is an entry in ClinVar:

NM_000053.4(ATP7B):c.52-2A>G

Gene: ATP7B (ATPase copper transporting beta; minus strand). Cytogenetic location: 13q14.3.
Variant type: single nucleotide variant.
Coding change: c.52-2A>G on transcript NM_000053.4 (MANE Select); the canonical splice acceptor site of the intron before coding-DNA position 52, A replaced by G.
Molecular consequence: splice acceptor variant.
Genome position (GRCh38, 1-based): chr13:51,975,170, T>C on the plus strand (A>G on the coding strand, the complement: ATP7B is on the minus strand). VCF-style: chr13-51975170-T-C. GRCh37 (hg19) VCF-style: chr13-52549306-T-C.
Other names: c.52-2A>G (NM_001406541.1, NM_001406531.1, NM_001406527.1 and 31 more transcripts); c.-45-2A>G (NM_001406543.1, NM_001406518.1, NM_001406539.1 and 4 more transcripts).
Identifiers: ClinVar variation 2679830 (VCV002679830.3), dbSNP rs2547826614, ClinGen allele CA388045440.

ClinVar aggregate classification (germline): Likely pathogenic (1 of 4 stars; one submission).

Conditions:
Wilson disease (WND). Also called: Wilson's disease. Identifiers: Orphanet 905, MedGen C0019202, MONDO:0010200, OMIM 277900. Disease mechanism: loss of function.

Allele frequency attached by ClinVar (database versions not stated): gnomAD exomes below 0.00001.
gnomAD v4.1: 2 of 1,614,064 alleles (0.00012%); highest among the groups gnomAD compares: Middle Eastern, 0.033%; no homozygotes.

Submission:

Natera, Inc.
Classification: Likely pathogenic for Wilson disease. Last evaluated: 2025-06-25. Review status: criteria provided, single submitter. Criteria: Natera Variant Classification Schema (03/2026). Collection method: clinical testing. Allele origin: germline.
Comment: The c.52-2A>G variant in ATP7B is a canonical splice acceptor site variant predicted to affect pre-mRNA splicing, which may result in an abnormal transcript and altered protein product. This variant is expected to result in nonsense mediated decay, truncation, or a dysfunctional protein product. This variant is rare in the general population with a frequency below the threshold expected for the associated phenotype(s). Given the available evidence, this variant is classified as Likely Pathogenic.